The following is an entry in ClinVar:

ClinVar aggregate classification (germline): Uncertain significance (1 of 4 stars; one submission).

Conditions:
Cardiovascular phenotype. Identifiers: MedGen CN230736.

Submission:

Ambry Genetics
Classification: Uncertain significance for Cardiovascular phenotype. Last evaluated: 2018-08-29. Review status: criteria provided, single submitter. Criteria: Ambry Variant Classification Scheme 2023. Collection method: clinical testing. Allele origin: germline.
Comment: The c.-2C>T variant is located in the 5' untranslated region (5&rsquo; UTR) of the CRYAB gene. This variant results from a C to T substitution 2 bases upstream from the first translated codon. This variant may impact initiation of translation by altering the Kozak consensus sequence. However, experimental evidence is not available, and the potential impact of CRYAB loss of function in cardiomyopathy is unclear. Furthermore, this nucleotide position is not well conserved in available vertebrate species. Since supporting evidence is limited at this time, the clinical significance of this alteration remains unclear.

NM_001289808.2(CRYAB):c.-2C>T

Gene: CRYAB (crystallin alpha B; minus strand). Cytogenetic location: 11q23.1.
Variant type: single nucleotide variant.
Coding change: c.-2C>T on transcript NM_001289808.2 (MANE Select); 2 bases upstream of the start codon, C replaced by T.
Molecular consequence: 5 prime UTR variant.
Genome position (GRCh38, 1-based): chr11:111,911,726, G>A on the plus strand (C>T on the coding strand, the complement: CRYAB is on the minus strand). VCF-style: chr11-111911726-G-A. GRCh37 (hg19) VCF-style: chr11-111782450-G-A.
Other names: c.-2C>T (NM_001289807.1, NM_001368245.1, NM_001885.3).
Identifiers: ClinVar variation 518622 (VCV000518622.5), dbSNP rs782389011, ClinGen allele CA658797799.
Genomic context (GRCh38, chr11:111,911,726, plus strand): 5'-GGGGAGTGGAAAGGAAAGAAGGGGCGGCGGATCCAGGGGTGGTGGATGGCGATGTCCATG[G>A]TGGCTAGGTGAGTGTGAGGGGTCAGCTGGCTGGTCAGCTCCTTCAGCTGCAGCTACAGCC-3'